The following is an entry in ClinVar:

NM_004519.4(KCNQ3):c.1569-11T>A

Gene: KCNQ3 (potassium voltage-gated channel subfamily Q member 3; minus strand). Cytogenetic location: 8q24.22.
Variant type: single nucleotide variant.
Coding change: c.1569-11T>A on transcript NM_004519.4 (MANE Select); 11 bases into the intron before coding-DNA position 1569, T replaced by A.
Molecular consequence: intron variant.
Genome position (GRCh38, 1-based): chr8:132,138,027, A>T on the plus strand (T>A on the coding strand, the complement: KCNQ3 is on the minus strand). VCF-style: chr8-132138027-A-T. GRCh37 (hg19) VCF-style: chr8-133150274-A-T.
Other names: c.1209-11T>A (NM_001204824.2).
Identifiers: ClinVar variation 380600 (VCV000380600.1), dbSNP rs1057520865, ClinGen allele CA16605179.

ClinVar aggregate classification (germline): Likely benign (1 of 4 stars; one submission).

Submission:

GeneDx
Classification: Likely benign. Last evaluated: 2015-09-15. Review status: criteria provided, single submitter. Criteria: GeneDx Variant Classification (06012015). Collection method: clinical testing. Allele origin: germline. Affected: yes.
Comment: This variant is considered likely benign or benign based on one or more of the following criteria: it is a conservative change, it occurs at a poorly conserved position in the protein, it is predicted to be benign by multiple in silico algorithms, and/or has population frequency not consistent with disease.